The following is an entry in ClinVar:

NM_001277115.2(DNAH11):c.12195+1G>A

Gene: DNAH11 (dynein axonemal heavy chain 11; plus strand). Cytogenetic location: 7p15.3.
Variant type: single nucleotide variant.
Coding change: c.12195+1G>A on transcript NM_001277115.2 (MANE Select); the canonical splice donor site of the intron after coding-DNA position 12195, G replaced by A.
Molecular consequence: splice donor variant.
Genome position (GRCh38, 1-based): chr7:21,873,502, G>A. VCF-style: chr7-21873502-G-A. GRCh37 (hg19) VCF-style: chr7-21913120-G-A.
Identifiers: ClinVar variation 2835186 (VCV002835186.3), dbSNP rs2534056842, ClinGen allele CA366963430.
Genomic context (GRCh38, chr7:21,873,502, plus strand): 5'-AATGAACCCCCAACAGGGATGCTGGCCAATTTGCATGCCGCCCTGTACAACTTTGATCAG[G>A]TAAGAAAGCGAAGCAGGCTAGGCAGACAATGAAGTCAGAGTCATCTCACAAGACTGTGGG-3'

ClinVar aggregate classification (germline): Likely pathogenic (1 of 4 stars; one submission).

Conditions:
Primary ciliary dyskinesia. Also called: Ciliary dyskinesia. Identifiers: Orphanet 244, MedGen C0008780, MONDO:0016575, HP:0012265.

Submission:

Labcorp Genetics (formerly Invitae), Labcorp
Classification: Likely pathogenic for Primary ciliary dyskinesia. Last evaluated: 2023-02-07. Review status: criteria provided, single submitter. Criteria: Invitae Variant Classification Sherloc (09022015). Collection method: clinical testing. Allele origin: germline.
Comment: In summary, the currently available evidence indicates that the variant is pathogenic, but additional data are needed to prove that conclusively. Therefore, this variant has been classified as Likely Pathogenic. Algorithms developed to predict the effect of sequence changes on RNA splicing suggest that this variant may disrupt the consensus splice site. This variant has not been reported in the literature in individuals affected with DNAH11-related conditions. This variant is not present in population databases (gnomAD no frequency). This sequence change affects a donor splice site in intron 74 of the DNAH11 gene. It is expected to disrupt RNA splicing. Variants that disrupt the donor or acceptor splice site typically lead to a loss of protein function (PMID: 16199547), and loss-of-function variants in DNAH11 are known to be pathogenic (PMID: 18022865, 20513915, 22184204).

Literature cited by the submitters: PubMed 16199547; PubMed 18022865; PubMed 20513915; PubMed 22184204.